The following is an entry in ClinVar:

NM_004285.4(H6PD):c.2096C>T (p.Thr699Ile)

Gene: H6PD (hexose-6-phosphate dehydrogenase/glucose 1-dehydrogenase; plus strand). Cytogenetic location: 1p36.22.
Variant type: single nucleotide variant.
Coding change: c.2096C>T on transcript NM_004285.4 (MANE Select); coding-DNA position 2096, C replaced by T.
Protein change: p.Thr699Ile; replaces threonine 699 with isoleucine.
Molecular consequence: missense variant.
Genome position (GRCh38, 1-based): chr1:9,264,589, C>T. VCF-style: chr1-9264589-C-T. GRCh37 (hg19) VCF-style: chr1-9324648-C-T.
Other names: c.2129C>T, p.Thr710Ile (NM_001282587.2); short protein forms T699I, T710I.
Identifiers: ClinVar variation 1946497 (VCV001946497.5), dbSNP rs752312322, ClinGen allele CA575513.

ClinVar aggregate classification (germline): Uncertain significance (1 of 4 stars; one submission).

Allele frequency attached by ClinVar (database versions not stated): gnomAD exomes 0.00001; ExAC 0.00003.
gnomAD v4.1: 17 of 1,613,166 alleles (0.0011%); highest among the groups gnomAD compares: Admixed American, 0.005%; no homozygotes.

Submission:

Labcorp Genetics (formerly Invitae), Labcorp
Classification: Uncertain significance. Last evaluated: 2022-04-07. Review status: criteria provided, single submitter. Criteria: Invitae Variant Classification Sherloc (09022015). Collection method: clinical testing. Allele origin: germline.
Comment: This variant has not been reported in the literature in individuals affected with H6PD-related conditions. Algorithms developed to predict the effect of missense changes on protein structure and function (SIFT, PolyPhen-2, Align-GVGD) all suggest that this variant is likely to be disruptive. In summary, the available evidence is currently insufficient to determine the role of this variant in disease. Therefore, it has been classified as a Variant of Uncertain Significance. This variant is present in population databases (rs752312322, gnomAD 0.009%). This sequence change replaces threonine, which is neutral and polar, with isoleucine, which is neutral and non-polar, at codon 699 of the H6PD protein (p.Thr699Ile).